The following is an entry in ClinVar:

NM_006766.5(KAT6A):c.3634G>A (p.Glu1212Lys)

Gene: KAT6A (lysine acetyltransferase 6A; minus strand). Cytogenetic location: 8p11.21.
Variant type: single nucleotide variant.
Coding change: c.3634G>A on transcript NM_006766.5 (MANE Select); coding-DNA position 3634, G replaced by A.
Protein change: p.Glu1212Lys; replaces glutamic acid 1212 with lysine.
Molecular consequence: missense variant.
Genome position (GRCh38, 1-based): chr8:41,934,586, C>T on the plus strand (G>A on the coding strand, the complement: KAT6A is on the minus strand). VCF-style: chr8-41934586-C-T. GRCh37 (hg19) VCF-style: chr8-41792104-C-T.
Other names: short protein forms E1212K.
Identifiers: ClinVar variation 3620673 (VCV003620673.2).
Genomic context (GRCh38, chr8:41,934,586, plus strand): 5'-CTGCTTGCATCTCCTCCTCCTCCTTCCTCTCCTCGGGTAGGGGCATGTCTTCTTTTGGCT[C>T]AACAGTTTCTTCACTCTCCTGGATCTTGGGTTTACGTCCAGCTTTAGGAATGGAAACGAT-3'
Protein context (NP_006757.2, residues 1202-1222): PKIQESEETV[Glu1212Lys]PKEDMPLPEE

ClinVar aggregate classification (germline): Uncertain significance (1 of 4 stars; one submission).

gnomAD v4.1: 20 of 1,614,082 alleles (0.0012%); highest among the groups gnomAD compares: Middle Eastern, 0.017%; no homozygotes.

Submission:

Labcorp Genetics (formerly Invitae), Labcorp
Classification: Uncertain significance. Last evaluated: 2024-07-17. Review status: criteria provided, single submitter. Criteria: Invitae Variant Classification Sherloc (09022015). Collection method: clinical testing. Allele origin: germline.
Comment: This sequence change replaces glutamic acid, which is acidic and polar, with lysine, which is basic and polar, at codon 1212 of the KAT6A protein (p.Glu1212Lys). This variant is present in population databases (rs772850653, gnomAD 0.002%). This variant has not been reported in the literature in individuals affected with KAT6A-related conditions. Advanced modeling of protein sequence and biophysical properties (such as structural, functional, and spatial information, amino acid conservation, physicochemical variation, residue mobility, and thermodynamic stability) performed at Invitae indicates that this missense variant is not expected to disrupt KAT6A protein function with a negative predictive value of 80%. In summary, the available evidence is currently insufficient to determine the role of this variant in disease. Therefore, it has been classified as a Variant of Uncertain Significance.